The following is an entry in ClinVar:

ClinVar aggregate classification (germline): Uncertain significance (1 of 4 stars; one submission).

gnomAD v4.1: 64 of 1,614,200 alleles (0.004%); highest among the groups gnomAD compares: South Asian, 0.034%; no homozygotes.

Submission:

Labcorp Genetics (formerly Invitae), Labcorp
Classification: Uncertain significance. Last evaluated: 2025-02-13. Review status: criteria provided, single submitter. Criteria: Invitae Variant Classification Sherloc (09022015). Collection method: clinical testing. Allele origin: germline.
Comment: This sequence change replaces arginine, which is basic and polar, with histidine, which is basic and polar, at codon 484 of the C8A protein (p.Arg484His). This variant is present in population databases (rs200098041, gnomAD 0.02%). This variant has not been reported in the literature in individuals affected with C8A-related conditions. An algorithm developed to predict the effect of missense changes on protein structure and function outputs the following: PolyPhen-2: "Benign". The histidine amino acid residue is found in multiple mammalian species, which suggests that this missense change does not adversely affect protein function. In summary, the available evidence is currently insufficient to determine the role of this variant in disease. Therefore, it has been classified as a Variant of Uncertain Significance.

NM_000562.3(C8A):c.1451G>A (p.Arg484His)

Gene: C8A (complement C8 alpha chain; plus strand). Cytogenetic location: 1p32.2.
Variant type: single nucleotide variant.
Coding change: c.1451G>A on transcript NM_000562.3 (MANE Select); coding-DNA position 1451, G replaced by A.
Protein change: p.Arg484His; replaces arginine 484 with histidine.
Molecular consequence: missense variant.
Genome position (GRCh38, 1-based): chr1:56,912,473, G>A. VCF-style: chr1-56912473-G-A. GRCh37 (hg19) VCF-style: chr1-57378146-G-A.
Other names: short protein forms R484H.
Identifiers: ClinVar variation 4803888 (VCV004803888.1).